The following is an entry in ClinVar:

ClinVar aggregate classification (germline): Uncertain significance (1 of 4 stars; one submission).

gnomAD v4.1: 12 of 1,174,376 alleles (0.001%); highest among the groups gnomAD compares: South Asian, 0.017%; no homozygotes.

Submission:

Women's Health and Genetics/Laboratory Corporation of America, LabCorp
Classification: Uncertain significance. Last evaluated: 2025-04-30. Review status: criteria provided, single submitter. Criteria: LabCorp Variant Classification Summary - May 2015. Collection method: clinical testing. Allele origin: germline.
Comment: Variant summary: MAGT1 c.19C>T (p.Pro7Ser) results in a non-conservative amino acid change in the encoded protein sequence. Four of five in-silico tools predict a benign effect of the variant on protein function. The variant allele was found at a frequency of 4e-05 in 125160 control chromosomes. The available data on variant occurrences in the general population are insufficient to allow any conclusion about variant significance. To our knowledge, no occurrence of c.19C>T in individuals affected with X-Linked Immunodeficiency With Magnesium Defect, Epstein-Barr Virus Infection And Neoplasia and no experimental evidence demonstrating its impact on protein function have been reported. No submitters have cited clinical-significance assessments for this variant to ClinVar. Based on the evidence outlined above, the variant was classified as uncertain significance.

NM_032121.5(MAGT1):c.19C>T (p.Pro7Ser)

Gene: MAGT1 (magnesium transporter 1; minus strand). Cytogenetic location: Xq21.1.
Variant type: single nucleotide variant.
Coding change: c.19C>T on transcript NM_032121.5; coding-DNA position 19, C replaced by T.
Protein change: p.Pro7Ser; replaces proline 7 with serine.
Molecular consequence: missense variant.
Genome position (GRCh38, 1-based): chrX:77,895,488, G>A on the plus strand (C>T on the coding strand, the complement: MAGT1 is on the minus strand). VCF-style: chrX-77895488-G-A. GRCh37 (hg19) VCF-style: chrX-77150985-G-A.
Other names: short protein forms P7S.
Identifiers: ClinVar variation 3896194 (VCV003896194.2).